The following is an entry in ClinVar:

NM_153676.4(USH1C):c.127G>A (p.Val43Met)

Gene: USH1C (USH1 protein network component harmonin; minus strand). Cytogenetic location: 11p15.1.
Variant type: single nucleotide variant.
Coding change: c.127G>A on transcript NM_153676.4 (MANE Select); coding-DNA position 127, G replaced by A.
Protein change: p.Val43Met; replaces valine 43 with methionine.
Molecular consequence: missense variant. On other transcripts: non-coding transcript variant (1).
Genome position (GRCh38, 1-based): chr11:17,531,520, C>T on the plus strand (G>A on the coding strand, the complement: USH1C is on the minus strand). VCF-style: chr11-17531520-C-T. GRCh37 (hg19) VCF-style: chr11-17553067-C-T.
Other names: c.127G>A, p.Val43Met (NM_001297764.2, NM_005709.4); short protein forms V43M.
Identifiers: ClinVar variation 47977 (VCV000047977.16), dbSNP rs145500807, ClinGen allele CA142295.

ClinVar aggregate classification (germline): Uncertain significance. Review status: criteria provided, multiple submitters, no conflicts (2 of 4 stars). 6 submissions from 6 submitters: Uncertain significance (5). 1 of the submissions does not count toward it. Last evaluated 2025-08-20.

Conditions:
Usher syndrome type 1C. Also called: USHER SYNDROME, TYPE I, ACADIAN VARIETY. Identifiers: Orphanet 231169, Orphanet 886, MedGen C1848604, MONDO:0010171, OMIM 276904.

Allele frequency attached by ClinVar (database versions not stated): ESP Exome Variant Server 0.00008; TOPMed 0.00009; ExAC 0.00012; 1000 Genomes Project 0.00020; 1000 Genomes Project 30x 0.00031.

Submissions (6):

Mayo Clinic Laboratories, Mayo Clinic
Classification: Uncertain significance. Last evaluated: 2025-08-20. Review status: criteria provided, single submitter. Criteria: ACMG Guidelines, 2015. Collection method: clinical testing. Allele origin: germline. Observed: 1 variant allele.
Comment: PM2_supporting

GeneDx
Classification: Uncertain significance. Last evaluated: 2024-07-15. Review status: criteria provided, single submitter. Criteria: GeneDx Variant Classification Process June 2021. Collection method: clinical testing. Allele origin: germline. Affected: yes.
Comment: In silico analysis indicates that this missense variant does not alter protein structure/function; Has not been previously published as pathogenic or benign to our knowledge

Blueprint Genetics
Classification: Uncertain significance. Last evaluated: 2024-01-05. Review status: criteria provided, single submitter. Criteria: ACMG Guidelines, 2015. Collection method: clinical testing. Allele origin: germline.

Labcorp Genetics (formerly Invitae), Labcorp
Classification: Uncertain significance. Last evaluated: 2022-10-28. Review status: criteria provided, single submitter. Criteria: Invitae Variant Classification Sherloc (09022015). Collection method: clinical testing. Allele origin: germline.
Comment: This sequence change replaces valine, which is neutral and non-polar, with methionine, which is neutral and non-polar, at codon 43 of the USH1C protein (p.Val43Met). This variant is present in population databases (rs145500807, gnomAD 0.02%). This variant has not been reported in the literature in individuals affected with USH1C-related conditions. ClinVar contains an entry for this variant (Variation ID: 47977). Algorithms developed to predict the effect of missense changes on protein structure and function are either unavailable or do not agree on the potential impact of this missense change (SIFT: "Deleterious"; PolyPhen-2: "Probably Damaging"; Align-GVGD: "Class C0"). In summary, the available evidence is currently insufficient to determine the role of this variant in disease. Therefore, it has been classified as a Variant of Uncertain Significance.

Laboratory for Molecular Medicine, Mass General Brigham Personalized Medicine
Classification: Uncertain significance. Last evaluated: 2020-01-15. Review status: criteria provided, single submitter. Criteria: LMM Criteria. Collection method: clinical testing. Allele origin: germline. Observed: 3 variant alleles.
Comment: The p.Val43Met variant in USH1C has been reported by our laboratory in 3 individuals with hearing loss; however, none of these individuals carried a second variant in USH1C and 2 individuals carried variants in other genes associated with hearing loss (LMM Data). This variant has been identified in 0.02% (19/113482) of European chromosomes by gnomAD and has been reported in ClinVar (Variation ID 47977). Computational prediction tools and conservation analysis do not provide strong support for or against an impact to the protein. In summary, the clinical significance of this variant is uncertain. ACMG/AMP Criteria applied: PM2_Supporting.

Natera, Inc.
Classification: Uncertain significance for Usher syndrome type 1C. Last evaluated: 2020-04-11. Review status: no assertion criteria provided. Collection method: clinical testing. Allele origin: germline. Not counted in ClinVar's aggregate classification.